The following is an entry in ClinVar:

ClinVar aggregate classification (germline): Uncertain significance. Review status: criteria provided, multiple submitters, no conflicts (2 of 4 stars). 2 submissions from 2 submitters: Uncertain significance (2). Last evaluated 2025-06-16.

Conditions:
Inborn genetic diseases. Identifiers: MedGen C0950123, MeSH D030342.
Multiple gastrointestinal atresias. Also called: FAMILIAL INTESTINAL POLYATRESIA SYNDROME; Multiple intestinal atresia. Identifiers: Orphanet 2300, MedGen C0220744, MONDO:0009465.

Allele frequency attached by ClinVar (database versions not stated): gnomAD 0.00015 and 0.00017; TOPMed 0.00024; gnomAD exomes 0.00002 and 0.00005; ExAC 0.00007.
gnomAD v4.1: 48 of 1,556,440 alleles (0.0031%); highest among the groups gnomAD compares: African/African-American, 0.065%; no homozygotes.

Submissions (2):

Labcorp Genetics (formerly Invitae), Labcorp
Classification: Uncertain significance for Multiple gastrointestinal atresias. Last evaluated: 2025-06-16. Review status: criteria provided, single submitter. Criteria: Invitae Variant Classification Sherloc (09022015). Collection method: clinical testing. Allele origin: germline.
Comment: This sequence change replaces glycine, which is neutral and non-polar, with alanine, which is neutral and non-polar, at codon 24 of the TTC7A protein (p.Gly24Ala). This variant is present in population databases (rs751550092, gnomAD 0.06%). This variant has not been reported in the literature in individuals affected with TTC7A-related conditions. ClinVar contains an entry for this variant (Variation ID: 660088). An algorithm developed to predict the effect of missense changes on protein structure and function (PolyPhen-2) suggests that this variant is likely to be tolerated. In summary, the available evidence is currently insufficient to determine the role of this variant in disease. Therefore, it has been classified as a Variant of Uncertain Significance.

Ambry Genetics
Classification: Uncertain significance for Inborn genetic diseases. Last evaluated: 2024-09-09. Review status: criteria provided, single submitter. Criteria: Ambry Variant Classification Scheme 2023. Collection method: clinical testing. Allele origin: germline.

NM_020458.4(TTC7A):c.71G>C (p.Gly24Ala)

Genes: MCFD2 (multiple coagulation factor deficiency 2, ER cargo receptor complex subunit; minus strand), TTC7A (tetratricopeptide repeat domain 7A; plus strand). Cytogenetic location: 2p21.
Variant type: single nucleotide variant.
Coding change: c.71G>C on transcript NM_020458.4 (MANE Select); coding-DNA position 71, G replaced by C.
Protein change: p.Gly24Ala; replaces glycine 24 with alanine.
Molecular consequence: missense variant. On other transcripts: 5 prime UTR variant (2), intron variant (1).
Genome position (GRCh38, 1-based): chr2:46,941,612, G>C. VCF-style: chr2-46941612-G-C. GRCh37 (hg19) VCF-style: chr2-47168751-G-C.
Other names: c.71G>C, p.Gly24Ala (NM_001288951.2); c.-834G>C (NM_001288955.2); c.-47C>G (NM_001171508.2); c.52C>G, p.Pro18Ala (NM_001171511.3); c.83-8751G>C (NM_001288953.2); short protein forms G24A, P18A.
Identifiers: ClinVar variation 660088 (VCV000660088.7), dbSNP rs751550092, ClinGen allele CA1647028.